The following is an entry in ClinVar:

NM_015272.5(RPGRIP1L):c.3060+5G>A

Gene: RPGRIP1L (RPGRIP1 like; minus strand). Cytogenetic location: 16q12.2.
Variant type: single nucleotide variant.
Coding change: c.3060+5G>A on transcript NM_015272.5 (MANE Select); 5 bases into the intron after coding-DNA position 3060, G replaced by A.
Molecular consequence: intron variant.
Genome position (GRCh38, 1-based): chr16:53,638,305, C>T on the plus strand (G>A on the coding strand, the complement: RPGRIP1L is on the minus strand). VCF-style: chr16-53638305-C-T. GRCh37 (hg19) VCF-style: chr16-53672217-C-T.
Other names: c.2959-451G>A (NM_001127897.4, NM_001330538.2); c.3060+5G>A (NM_001308334.3).
Identifiers: ClinVar variation 5001437 (VCV005001437.1).
Genomic context (GRCh38, chr16:53,638,305, plus strand): 5'-TTATAAGACAAAGTATTTAAGAACCAAATTAAACCTTCCAAAATAATTTTAACACAAATG[C>T]ATACCTTGGGAACATGTGGAACAGTCAGCATATTAATTTCTATTTCTGGTATATGCTCTA-3'

ClinVar aggregate classification (germline): Uncertain significance (1 of 4 stars; one submission).

Conditions:
RPGRIP1L-related disorder. Also called: RPGRIP1L-related disorders; RPGRIP1L-related condition. Identifiers: MedGen CN239416.

Submission:

PreventionGenetics, part of Exact Sciences
Classification: Uncertain significance for RPGRIP1L-related condition. Last evaluated: 2025-06-26. Review status: criteria provided, single submitter. Criteria: ACMG Guidelines, 2015. Collection method: clinical testing. Allele origin: germline.
Comment: The RPGRIP1L c.3060+5G>A variant is predicted to interfere with splicing. To our knowledge, this variant has not been reported in the literature or in a large population database (gnomAD), indicating this variant is rare. At this time, the clinical significance of this variant is uncertain due to the absence of conclusive functional and genetic evidence.